The following is an entry in ClinVar:

NM_000283.4(PDE6B):c.2281C>T (p.Arg761Trp)

Gene: PDE6B (phosphodiesterase 6B; plus strand). Cytogenetic location: 4p16.3.
Variant type: single nucleotide variant.
Coding change: c.2281C>T on transcript NM_000283.4 (MANE Select); coding-DNA position 2281, C replaced by T.
Protein change: p.Arg761Trp; replaces arginine 761 with tryptophan.
Molecular consequence: missense variant.
Genome position (GRCh38, 1-based): chr4:666,543, C>T. VCF-style: chr4-666543-C-T. GRCh37 (hg19) VCF-style: chr4-660332-C-T.
Other names: c.2281C>T (NM_000283.3); c.2281C>T, p.Arg761Trp (NM_001145291.2); c.1444C>T, p.Arg482Trp (NM_001145292.2, NM_001350154.3, NM_001379246.1 and 1 more transcripts); c.1126C>T, p.Arg376Trp (NM_001350155.3); short protein forms R376W, R482W, R761W.
Identifiers: ClinVar variation 1019010 (VCV001019010.13), dbSNP rs756653121, ClinGen allele CA2794991.

ClinVar aggregate classification (germline): Uncertain significance. Review status: criteria provided, multiple submitters, no conflicts (2 of 4 stars). 4 submissions from 4 submitters: Uncertain significance (3). 1 of the submissions does not count toward it. Last evaluated 2026-06-12.

Conditions:
PDE6B-related disorder. Also called: PDE6B-related disorders; PDE6B-related disease; PDE6B-related condition.
Retinal dystrophy. Also called: Inherited retinal dystrophy. Identifiers: Orphanet 71862, MedGen C0854723, MeSH D058499, MONDO:0019118, HP:0000556.
Inborn genetic diseases. Identifiers: MedGen C0950123, MeSH D030342.

Allele frequency attached by ClinVar (database versions not stated): ExAC 0.00001; gnomAD exomes 0.00001 and 0.00011; TOPMed 0.00003; gnomAD 0.00004.
gnomAD v4.1: 163 of 1,611,434 alleles (0.01%); highest among the groups gnomAD compares: Non-Finnish European, 0.014%; no homozygotes.

Submissions (4):

PreventionGenetics, part of Exact Sciences
Classification: Uncertain significance for PDE6B-related condition. Last evaluated: 2026-06-12. Review status: criteria provided, single submitter. Criteria: ACMG Guidelines, 2015. Collection method: clinical testing. Allele origin: germline.
Comment: The PDE6B c.2281C>T variant is predicted to result in the amino acid substitution p.Arg761Trp. To our knowledge, this variant has not been reported in the literature. This variant is present in 0.0018% of alleles in individuals of European (Non-Finnish) descent in gnomAD. At this time, the clinical significance of this variant is uncertain due to the absence of conclusive functional and genetic evidence.

Ambry Genetics
Classification: Uncertain significance for Inborn genetic diseases. Last evaluated: 2025-11-26. Review status: criteria provided, single submitter. Criteria: Ambry Variant Classification Scheme 2023. Collection method: clinical testing. Allele origin: germline.

Labcorp Genetics (formerly Invitae), Labcorp
Classification: Uncertain significance. Last evaluated: 2024-09-15. Review status: criteria provided, single submitter. Criteria: Invitae Variant Classification Sherloc (09022015). Collection method: clinical testing. Allele origin: germline.
Comment: This sequence change replaces arginine, which is basic and polar, with tryptophan, which is neutral and slightly polar, at codon 761 of the PDE6B protein (p.Arg761Trp). This variant is present in population databases (rs756653121, gnomAD 0.003%). This variant has not been reported in the literature in individuals affected with PDE6B-related conditions. ClinVar contains an entry for this variant (Variation ID: 1019010). Invitae Evidence Modeling of protein sequence and biophysical properties (such as structural, functional, and spatial information, amino acid conservation, physicochemical variation, residue mobility, and thermodynamic stability) indicates that this missense variant is expected to disrupt PDE6B protein function with a positive predictive value of 95%. In summary, the available evidence is currently insufficient to determine the role of this variant in disease. Therefore, it has been classified as a Variant of Uncertain Significance.

Institute of Human Genetics, Univ. Regensburg, Univ. Regensburg
Classification: Uncertain significance for Retinal dystrophy. Last evaluated: 2017-01-01. Review status: no assertion criteria provided. Criteria: ACMG Guidelines, 2015. Collection method: clinical testing. Allele origin: germline. Affected: yes. Not counted in ClinVar's aggregate classification.